The following is an entry in ClinVar:

ClinVar aggregate classification (germline): Uncertain significance (1 of 4 stars; one submission).

Conditions:
TRPA1-related disorder. Also called: TRPA1-related condition.

Submission:

PreventionGenetics, part of Exact Sciences
Classification: Uncertain significance for TRPA1-related condition. Last evaluated: 2026-01-12. Review status: criteria provided, single submitter. Criteria: ACMG Guidelines, 2015. Collection method: clinical testing. Allele origin: germline.
Comment: The TRPA1 c.1384T>A variant is predicted to result in the amino acid substitution p.Cys462Ser. To our knowledge, this variant has not been reported in the literature or in a large population database (gnomAD), indicating this variant is rare. Although we suspect that this variant may be pathogenic, at this time, the clinical significance of this variant is uncertain due to the absence of conclusive functional and genetic evidence.

NM_007332.3(TRPA1):c.1384T>A (p.Cys462Ser)

Genes: MSC-AS1 (MSC antisense RNA 1; plus strand), TRPA1 (transient receptor potential cation channel subfamily A member 1; minus strand). Cytogenetic location: 8q21.11.
Variant type: single nucleotide variant.
Coding change: c.1384T>A on transcript NM_007332.3 (MANE Select); coding-DNA position 1384, T replaced by A.
Protein change: p.Cys462Ser; replaces cysteine 462 with serine.
Molecular consequence: missense variant. On other transcripts: non-coding transcript variant (2).
Genome position (GRCh38, 1-based): chr8:72,055,581, A>T on the plus strand (T>A on the coding strand, the complement: TRPA1 is on the minus strand). VCF-style: chr8-72055581-A-T. GRCh37 (hg19) VCF-style: chr8-72967816-A-T.
Other names: short protein forms C462S.
Identifiers: ClinVar variation 4994575 (VCV004994575.1).